The following is an entry in ClinVar:

NM_032776.3(JMJD1C):c.1025A>T (p.Lys342Ile)

Gene: JMJD1C (jumonji domain containing 1C; minus strand). Cytogenetic location: 10q21.3.
Variant type: single nucleotide variant.
Coding change: c.1025A>T on transcript NM_032776.3 (MANE Select); coding-DNA position 1025, A replaced by T.
Protein change: p.Lys342Ile; replaces lysine 342 with isoleucine.
Molecular consequence: missense variant. On other transcripts: non-coding transcript variant (1).
Genome position (GRCh38, 1-based): chr10:63,215,142, T>A on the plus strand (A>T on the coding strand, the complement: JMJD1C is on the minus strand). VCF-style: chr10-63215142-T-A. GRCh37 (hg19) VCF-style: chr10-64974902-T-A.
Other names: c.479A>T, p.Lys160Ile (NM_001282948.2, NM_001318154.2); c.161A>T, p.Lys54Ile (NM_001318153.2); c.911A>T, p.Lys304Ile (NM_001322252.2); c.368A>T, p.Lys123Ile (NM_001322254.2, NM_001322258.2); short protein forms K123I, K160I, K304I, K342I, K54I.
Identifiers: ClinVar variation 1000437 (VCV001000437.8), dbSNP rs1847831425, ClinGen allele CA377050733.

ClinVar aggregate classification (germline): Uncertain significance (1 of 4 stars; one submission).

Conditions:
Early Myoclonic Encephalopathy. Identifiers: MedGen C0270855.

Submission:

Labcorp Genetics (formerly Invitae), Labcorp
Classification: Uncertain significance for Early Myoclonic Encephalopathy. Last evaluated: 2020-09-01. Review status: criteria provided, single submitter. Criteria: Invitae Variant Classification Sherloc (09022015). Collection method: clinical testing. Allele origin: germline.
Comment: Algorithms developed to predict the effect of missense changes on protein structure and function are either unavailable or do not agree on the potential impact of this missense change (SIFT: "Deleterious"; PolyPhen-2: "Probably Damaging"; Align-GVGD: "Class C0"). This variant has not been reported in the literature in individuals with JMJD1C-related conditions. This variant is not present in population databases (ExAC no frequency). This sequence change replaces lysine with isoleucine at codon 342 of the JMJD1C protein (p.Lys342Ile). The lysine residue is moderately conserved and there is a moderate physicochemical difference between lysine and isoleucine. In summary, the available evidence is currently insufficient to determine the role of this variant in disease. Therefore, it has been classified as a Variant of Uncertain Significance.